The following is an entry in ClinVar:

ClinVar aggregate classification (germline): Conflicting classifications of pathogenicity. Review status: criteria provided, conflicting classifications (1 of 4 stars). 5 submissions from 5 submitters: Uncertain significance (1); Likely benign (4). Last evaluated 2026-04-14.

Conditions:
NOTCH3-related disorder. Also called: NOTCH3-related condition; NOTCH3-related disorders.
Cerebral arteriopathy, autosomal dominant, with subcortical infarcts and leukoencephalopathy, type 1 (CADASIL1). Also called: CASIL; Cerebral arteriopathy with subcortical infarcts and leukoencephalopathy 1; DEMENTIA, HEREDITARY MULTIINFARCT TYPE; CADASIL 1. Identifiers: Orphanet 136, MedGen C4551768, MONDO:0000914, OMIM 125310.

Allele frequency attached by ClinVar (database versions not stated): gnomAD 0.00004 and 0.00007; gnomAD exomes 0.00005; TOPMed 0.00006; ExAC 0.00008.
gnomAD v4.1: 91 of 1,610,126 alleles (0.0057%); highest among the groups gnomAD compares: Middle Eastern, 0.066%; no homozygotes.

Submissions (5):

PreventionGenetics, part of Exact Sciences
Classification: Likely benign for NOTCH3-related condition. Last evaluated: 2026-04-14. Review status: criteria provided, single submitter. Criteria: ACMG Guidelines, 2015. Collection method: clinical testing. Allele origin: germline.
Comment: This variant is classified as likely benign based on ACMG/AMP sequence variant interpretation guidelines (Richards et al. 2015 PMID: 25741868, with internal and published modifications).

Labcorp Genetics (formerly Invitae), Labcorp
Classification: Likely benign. Last evaluated: 2025-04-29. Review status: criteria provided, single submitter. Criteria: Invitae Variant Classification Sherloc (09022015). Collection method: clinical testing. Allele origin: germline.

Blueprint Genetics
Classification: Likely benign. Last evaluated: 2024-08-22. Review status: criteria provided, single submitter. Criteria: ACMG Guidelines, 2015. Collection method: clinical testing. Allele origin: germline.

Athena Diagnostics
Classification: Likely benign. Last evaluated: 2024-03-29. Review status: criteria provided, single submitter. Criteria: Athena Diagnostics Criteria. Collection method: clinical testing. Allele origin: unknown.

Illumina Laboratory Services, Illumina
Classification: Uncertain significance for Cerebral arteriopathy, autosomal dominant, with subcortical infarcts and leukoencephalopathy, type 1. Last evaluated: 2018-01-13. Review status: criteria provided, single submitter. Criteria: ICSL Variant Classification Criteria 13 December 2019. Collection method: clinical testing. Allele origin: germline.

NM_000435.3(NOTCH3):c.1036+10C>T

Gene: NOTCH3 (notch receptor 3; minus strand). Cytogenetic location: 19p13.12.
Variant type: single nucleotide variant.
Coding change: c.1036+10C>T on transcript NM_000435.3 (MANE Select); 10 bases into the intron after coding-DNA position 1036, C replaced by T.
Molecular consequence: intron variant.
Genome position (GRCh38, 1-based): chr19:15,191,414, G>A on the plus strand (C>T on the coding strand, the complement: NOTCH3 is on the minus strand). VCF-style: chr19-15191414-G-A. GRCh37 (hg19) VCF-style: chr19-15302225-G-A.
Identifiers: ClinVar variation 447773 (VCV000447773.17), dbSNP rs776962888, ClinGen allele CA9263736.
Genomic context (GRCh38, chr19:15,191,414, plus strand): 5'-CAAGTCAGACTTCTTATTTGCCCTCACTAAAAACCATCCATGGCTCCCTGCAGAGAAAAC[G>A]GCCACTCACCAGTCTTGCCCATGGGGCAGGCACAGTAGAAAGAAGCCACGCGGTCATGGC-3'